The following is an entry in ClinVar:

NM_002397.5(MEF2C):c.1015G>A (p.Ala339Thr)

Gene: MEF2C (myocyte enhancer factor 2C; minus strand). Cytogenetic location: 5q14.3.
Variant type: single nucleotide variant.
Coding change: c.1015G>A on transcript NM_002397.5 (MANE Select); coding-DNA position 1015, G replaced by A.
Protein change: p.Ala339Thr; replaces alanine 339 with threonine.
Molecular consequence: missense variant.
Genome position (GRCh38, 1-based): chr5:88,728,578, C>T on the plus strand (G>A on the coding strand, the complement: MEF2C is on the minus strand). VCF-style: chr5-88728578-C-T. GRCh37 (hg19) VCF-style: chr5-88024395-C-T.
Other names: c.985G>A, p.Ala329Thr (NM_001131005.2, NM_001364343.2, NM_001364352.2); c.1045G>A, p.Ala349Thr (NM_001193347.1, NM_001364338.2); c.847G>A, p.Ala283Thr (NM_001193348.1); c.871G>A, p.Ala291Thr (NM_001193349.3, NM_001364332.2, NM_001364344.2 and 2 more transcripts); c.1015G>A, p.Ala339Thr (NM_001193350.2, NM_001363581.2, NM_001364329.2 and 9 more transcripts); c.991G>A, p.Ala331Thr (NM_001308002.3, NM_001364333.2, NM_001364339.2 and 6 more transcripts); c.637G>A, p.Ala213Thr (NM_001364356.2, NM_001364353.2); c.565G>A, p.Ala189Thr (NM_001364357.2); short protein forms A329T, A331T, A339T, A349T, A189T, A213T, A283T, A291T.
Identifiers: ClinVar variation 1498228 (VCV001498228.10), dbSNP rs778783316, ClinGen allele CA3337202.

ClinVar aggregate classification (germline): Conflicting classifications of pathogenicity. Review status: criteria provided, conflicting classifications (1 of 4 stars). 2 submissions from 2 submitters: Uncertain significance (1); Likely benign (1). Last evaluated 2023-08-24.

Conditions:
Inborn genetic diseases. Identifiers: MedGen C0950123, MeSH D030342.
Neurodevelopmental disorder with hypotonia, stereotypic hand movements, and impaired language. Also called: Intellectual disability, autosomal dominant 20. Identifiers: Orphanet 228384, Orphanet 664410, MedGen C3150700, MONDO:0013266, OMIM 613443.

Allele frequency attached by ClinVar (database versions not stated): gnomAD 0.00001 and 0.00002; TOPMed 0.00002; ExAC 0.00004; gnomAD exomes 0.00005.
gnomAD v4.1: 21 of 1,531,312 alleles (0.0014%); highest among the groups gnomAD compares: Middle Eastern, 0.017%; no homozygotes.

Submissions (2):

Labcorp Genetics (formerly Invitae), Labcorp
Classification: Uncertain significance for Neurodevelopmental disorder with hypotonia, stereotypic hand movements, and impaired language. Last evaluated: 2023-08-24. Review status: criteria provided, single submitter. Criteria: Invitae Variant Classification Sherloc (09022015). Collection method: clinical testing. Allele origin: germline.
Comment: In summary, the available evidence is currently insufficient to determine the role of this variant in disease. Therefore, it has been classified as a Variant of Uncertain Significance. Advanced modeling of protein sequence and biophysical properties (such as structural, functional, and spatial information, amino acid conservation, physicochemical variation, residue mobility, and thermodynamic stability) performed at Invitae indicates that this missense variant is not expected to disrupt MEF2C protein function. ClinVar contains an entry for this variant (Variation ID: 1498228). This variant has not been reported in the literature in individuals affected with MEF2C-related conditions. The frequency data for this variant in the population databases is considered unreliable, as metrics indicate poor data quality at this position in the gnomAD database. This sequence change replaces alanine, which is neutral and non-polar, with threonine, which is neutral and polar, at codon 339 of the MEF2C protein (p.Ala339Thr).

Ambry Genetics
Classification: Likely benign for Inborn genetic diseases. Last evaluated: 2023-02-28. Review status: criteria provided, single submitter. Criteria: Ambry Variant Classification Scheme 2023. Collection method: clinical testing. Allele origin: germline.